The following is an entry in ClinVar:

ClinVar aggregate classification (germline): Uncertain significance. Review status: criteria provided, single submitter (1 of 4 stars). 2 submissions from 2 submitters: Uncertain significance (1). 1 of the submissions does not count toward it. Last evaluated 2023-03-23.

Conditions:
Cohen syndrome (COH1). Also called: PEPPER SYNDROME; Cutis verticis gyrata, retinitis pigmentosa, and sensorineural deafness. Identifiers: Orphanet 193, MedGen C0265223, MONDO:0008999, OMIM 216550.
VPS13B-related disorder. Also called: VPS13B-related condition.

Allele frequency attached by ClinVar (database versions not stated): gnomAD exomes below 0.00001 and 0.00001; ExAC 0.00001; gnomAD 0.00001.
gnomAD v4.1: 11 of 1,613,852 alleles (0.00068%); highest among the groups gnomAD compares: Non-Finnish European, 0.00093%; no homozygotes.

Submissions (2):

Labcorp Genetics (formerly Invitae), Labcorp
Classification: Uncertain significance for Cohen syndrome. Last evaluated: 2023-03-23. Review status: criteria provided, single submitter. Criteria: Invitae Variant Classification Sherloc (09022015). Collection method: clinical testing. Allele origin: germline.
Comment: In summary, the available evidence is currently insufficient to determine the role of this variant in disease. Therefore, it has been classified as a Variant of Uncertain Significance. Algorithms developed to predict the effect of sequence changes on RNA splicing suggest that this variant may create or strengthen a splice site. Advanced modeling of protein sequence and biophysical properties (such as structural, functional, and spatial information, amino acid conservation, physicochemical variation, residue mobility, and thermodynamic stability) performed at Invitae indicates that this missense variant is expected to disrupt VPS13B protein function. ClinVar contains an entry for this variant (Variation ID: 949860). This variant has not been reported in the literature in individuals affected with VPS13B-related conditions. This variant is present in population databases (rs761208848, gnomAD 0.0009%). This sequence change replaces proline, which is neutral and non-polar, with leucine, which is neutral and non-polar, at codon 3275 of the VPS13B protein (p.Pro3275Leu).

PreventionGenetics, part of Exact Sciences
Classification: Uncertain significance for VPS13B-related condition. Last evaluated: 2024-04-03. Review status: no assertion criteria provided. Collection method: clinical testing. Allele origin: germline. Not counted in ClinVar's aggregate classification.
Comment: The VPS13B c.9749C>T variant is predicted to result in the amino acid substitution p.Pro3250Leu. To our knowledge, this variant has not been reported in the literature. This variant is reported in 0.00088% of alleles in individuals of European (Non-Finnish) descent in gnomAD. At this time, the clinical significance of this variant is uncertain due to the absence of conclusive functional and genetic evidence.

NM_152564.5(VPS13B):c.9749C>T (p.Pro3250Leu)

Gene: VPS13B (vacuolar protein sorting 13 homolog B; plus strand). Cytogenetic location: 8q22.2.
Variant type: single nucleotide variant.
Coding change: c.9749C>T on transcript NM_152564.5 (MANE Select); coding-DNA position 9749, C replaced by T.
Protein change: p.Pro3250Leu; replaces proline 3250 with leucine.
Molecular consequence: missense variant.
Genome position (GRCh38, 1-based): chr8:99,835,545, C>T. VCF-style: chr8-99835545-C-T. GRCh37 (hg19) VCF-style: chr8-100847773-C-T.
Other names: c.9824C>T, p.Pro3275Leu (NM_017890.5); c.9749C>T (NM_152564.4); short protein forms P3250L, P3275L.
Identifiers: ClinVar variation 949860 (VCV000949860.5), dbSNP rs761208848, ClinGen allele CA4824795.